The following is an entry in ClinVar:

NM_000352.6(ABCC8):c.3618C>T (p.Thr1206=)

Gene: ABCC8 (ATP binding cassette subfamily C member 8; minus strand). Cytogenetic location: 11p15.1.
Variant type: single nucleotide variant.
Coding change: c.3618C>T on transcript NM_000352.6 (MANE Select); coding-DNA position 3618, C replaced by T.
Protein change: p.Thr1206=; no amino-acid change (threonine 1206 retained).
Molecular consequence: synonymous variant. On other transcripts: non-coding transcript variant (1).
Genome position (GRCh38, 1-based): chr11:17,402,693, G>A on the plus strand (C>T on the coding strand, the complement: ABCC8 is on the minus strand). VCF-style: chr11-17402693-G-A. GRCh37 (hg19) VCF-style: chr11-17424240-G-A.
Other names: c.3621C>T, p.Thr1207= (NM_001287174.3); c.3684C>T, p.Thr1228= (NM_001351295.2); c.3618C>T, p.Thr1206= (NM_001351296.2); c.3615C>T, p.Thr1205= (NM_001351297.2); c.3618C>T (NM_000352.3).
Identifiers: ClinVar variation 740559 (VCV000740559.16), dbSNP rs775134825, ClinGen allele CA5902757.

ClinVar aggregate classification (germline): Conflicting classifications of pathogenicity. Review status: criteria provided, conflicting classifications (1 of 4 stars). 7 submissions from 6 submitters: Uncertain significance (2); Likely benign (4). 1 of the submissions does not count toward it. Last evaluated 2026-01-12.

Conditions:
Inborn genetic diseases. Identifiers: MedGen C0950123, MeSH D030342.
ABCC8-related disorder.
Transitory neonatal diabetes mellitus. Also called: Transient neonatal diabetes mellitus. Identifiers: MedGen C0342273, MONDO:0020525, HP:0008255.
Maturity-onset diabetes of the young (MODY). Also called: Maturity onset diabetes mellitus in young. Identifiers: Orphanet 552, MedGen C0342276, MONDO:0018911, HP:0004904.

Allele frequency attached by ClinVar (database versions not stated): gnomAD 0.00003 and 0.00004; TOPMed 0.00005; ExAC 0.00001; gnomAD exomes 0.00001.
gnomAD v4.1: 22 of 1,614,122 alleles (0.0014%); highest among the groups gnomAD compares: East Asian, 0.0089%; no homozygotes.

Submissions (7):

Ambry Genetics
Classification: Likely benign for Inborn genetic diseases. Last evaluated: 2026-01-12. Review status: criteria provided, single submitter. Criteria: Ambry Variant Classification Scheme 2023. Collection method: clinical testing. Allele origin: germline.

Women's Health and Genetics/Laboratory Corporation of America, LabCorp
Classification: Likely benign. Last evaluated: 2025-12-22. Review status: criteria provided, single submitter. Criteria: LabCorp Variant Classification Summary - May 2015. Collection method: clinical testing. Allele origin: germline.

Blueprint Genetics
Classification: Likely benign. Last evaluated: 2024-09-15. Review status: criteria provided, single submitter. Criteria: ACMG Guidelines, 2015. Collection method: clinical testing. Allele origin: germline.

Labcorp Genetics (formerly Invitae), Labcorp
Classification: Likely benign. Last evaluated: 2024-02-14. Review status: criteria provided, single submitter. Criteria: Invitae Variant Classification Sherloc (09022015). Collection method: clinical testing. Allele origin: germline.

Clinical Genomics, Uppaluri K&H Personalized Medicine Clinic
Classification: Uncertain significance for Transitory neonatal diabetes mellitus. Review status: criteria provided, single submitter. Criteria: K & H Uppaluri Personalized Medicine Clinic Variant Classification & Assertion Criteria_Updated V.1. Collection method: research. Allele origin: somatic. Inheritance: Somatic mutation.
Comment: Mutations in ABCC8 gene are associated with both neonatal diabetes mellitus as well as MODY. Patients with this mutation may have a better response to sulfonylureas. However, no sufficient evidence is found to ascertain the role of this particular variant (rs775134825) in neonatal diabetes yet.

Clinical Genomics, Uppaluri K&H Personalized Medicine Clinic
Classification: Uncertain significance for Maturity-onset diabetes of the young. Review status: criteria provided, single submitter. Criteria: K & H Uppaluri Personalized Medicine Clinic Variant Classification & Assertion Criteria_Updated V.1. Collection method: research. Allele origin: somatic. Inheritance: Somatic mutation.
Comment: Mutations in ABCC8 gene are associated with both neonatal diabetes mellitus as well as MODY. Patients with this mutation may have a better response to sulfonylureas. However, no sufficient evidence is found to ascertain the role of this particular variant (rs775134825) in MODY yet.

PreventionGenetics, part of Exact Sciences
Classification: Likely benign for ABCC8-related condition. Last evaluated: 2020-04-29. Review status: no assertion criteria provided. Collection method: clinical testing. Allele origin: germline. Not counted in ClinVar's aggregate classification.
Comment: This variant is classified as likely benign based on ACMG/AMP sequence variant interpretation guidelines (Richards et al. 2015 PMID: 25741868, with internal and published modifications).

Literature cited by the submitters: PubMed 16885549 (cited by Clinical Genomics, Uppaluri K&H Personalized Medicine Clinic); PubMed 21989597 (cited by Clinical Genomics, Uppaluri K&H Personalized Medicine Clinic); PubMed 27538677 (cited by Clinical Genomics, Uppaluri K&H Personalized Medicine Clinic); PubMed 18981553 (cited by Clinical Genomics, Uppaluri K&H Personalized Medicine Clinic); PubMed 32027066 (cited by Clinical Genomics, Uppaluri K&H Personalized Medicine Clinic); PubMed 16613899 (cited by Clinical Genomics, Uppaluri K&H Personalized Medicine Clinic); PubMed 18025408 (cited by Clinical Genomics, Uppaluri K&H Personalized Medicine Clinic); PubMed 32792356 (cited by Clinical Genomics, Uppaluri K&H Personalized Medicine Clinic).